The following is an entry in ClinVar:

NM_000059.4(BRCA2):c.2372C>G (p.Ser791Ter)

Gene: BRCA2 (BRCA2 DNA repair associated; plus strand). Cytogenetic location: 13q13.1.
Variant type: single nucleotide variant.
Coding change: c.2372C>G on transcript NM_000059.4 (MANE Select); coding-DNA position 2372, C replaced by G.
Protein change: p.Ser791Ter; replaces serine 791 with a stop codon.
Molecular consequence: nonsense.
Genome position (GRCh38, 1-based): chr13:32,336,727, C>G. VCF-style: chr13-32336727-C-G. GRCh37 (hg19) VCF-style: chr13-32910864-C-G.
Other names: short protein forms S791*.
Identifiers: ClinVar variation 988489 (VCV000988489.27), dbSNP rs397507624, ClinGen allele CA387771780.

ClinVar aggregate classification (germline): Pathogenic. Review status: criteria provided, multiple submitters, no conflicts (2 of 4 stars). 5 submissions from 5 submitters: Pathogenic (4). 1 of the submissions does not count toward it. Last evaluated 2025-10-07.

Conditions:
Hereditary cancer-predisposing syndrome. Also called: Tumor predisposition; Hereditary Cancer Syndrome; Hereditary neoplastic syndrome; Neoplastic Syndromes, Hereditary. Identifiers: Orphanet 140162, MedGen C0027672, MeSH D009386, MONDO:0015356.
Breast-ovarian cancer, familial, susceptibility to, 1 (BROVCA1). Also called: BRCA1 Hereditary Breast and Ovarian Cancer; OVARIAN CANCER, SUSCEPTIBILITY TO. Identifiers: Orphanet 145, MedGen C2676676, MONDO:0011450, OMIM 604370. Disease mechanism: loss of function.
Hereditary breast ovarian cancer syndrome. Also called: Hereditary breast and ovarian cancer syndrome; Hereditary breast and ovarian cancer syndrome (HBOC); Breast and ovarian cancer; Hereditary breast and ovarian cancer; Hereditary breast and/or ovarian cancer syndrome; BRCA1- and BRCA2-Associated Hereditary Breast and Ovarian Cancer. Identifiers: Orphanet 145, MedGen C0677776, MeSH D061325, MONDO:0003582. Disease mechanism: loss of function.
Breast-ovarian cancer, familial, susceptibility to, 2 (BROVCA2). Also called: BRCA2 Hereditary Breast and Ovarian Cancer. Identifiers: Orphanet 145, MedGen C2675520, MONDO:0012933, OMIM 612555. Disease mechanism: loss of function.

Submissions (5):

Ambry Genetics
Classification: Pathogenic for Hereditary cancer-predisposing syndrome. Last evaluated: 2025-10-07. Review status: criteria provided, single submitter. Criteria: Ambry Variant Classification Scheme 2023. Collection method: clinical testing. Allele origin: germline.
Comment: The p.S791* pathogenic mutation (also known as c.2372C>G), located in coding exon 10 of the BRCA2 gene, results from a C to G substitution at nucleotide position 2372. This changes the amino acid from a serine to a stop codon within coding exon 10. This variant is considered to be rare based on population cohorts in the Genome Aggregation Database (gnomAD). This alteration is expected to result in loss of function by premature protein truncation or nonsense-mediated mRNA decay. As such, this alteration is interpreted as a disease-causing mutation.

Labcorp Genetics (formerly Invitae), Labcorp
Classification: Pathogenic for Hereditary breast ovarian cancer syndrome. Last evaluated: 2025-01-27. Review status: criteria provided, single submitter. Criteria: Invitae Variant Classification Sherloc (09022015). Collection method: clinical testing. Allele origin: germline.
Comment: This sequence change creates a premature translational stop signal (p.Ser791*) in the BRCA2 gene. It is expected to result in an absent or disrupted protein product. Loss-of-function variants in BRCA2 are known to be pathogenic (PMID: 20104584). This variant is not present in population databases (gnomAD no frequency). This premature translational stop signal has been observed in individual(s) with a personal and/or family history of breast and/or ovarian cancer (PMID: 31825140). ClinVar contains an entry for this variant (Variation ID: 988489). For these reasons, this variant has been classified as Pathogenic.

Department of Molecular Diagnostics, Institute of Oncology Ljubljana
Classification: Pathogenic for Breast-ovarian cancer, familial, susceptibility to, 1. Last evaluated: 2020-04-02. Review status: criteria provided, single submitter. Criteria: ACMG Guidelines, 2015. Collection method: clinical testing. Allele origin: germline. Affected: yes.

Clinical Genetics and Genomics, Karolinska University Hospital
Classification: Pathogenic. Last evaluated: 2016-08-31. Review status: criteria provided, single submitter. Criteria: ACMG Guidelines, 2015. Collection method: clinical testing. Allele origin: germline. Affected: yes. Observed: 4 variant alleles.

BRCAlab, Lund University
Classification: Pathogenic for Breast-ovarian cancer, familial, susceptibility to, 2. Last evaluated: 2022-08-26. Review status: no assertion criteria provided. Collection method: clinical testing. Allele origin: germline. Affected: yes. Not counted in ClinVar's aggregate classification.

Literature cited by the submitters: PubMed 20104584 (cited by Labcorp Genetics (formerly Invitae), Labcorp); PubMed 31825140 (cited by Labcorp Genetics (formerly Invitae), Labcorp).